The following is an entry in ClinVar:

ClinVar aggregate classification (germline): Benign/Likely benign. Review status: criteria provided, multiple submitters, no conflicts (2 of 4 stars). 2 submissions from 2 submitters: Benign (1); Likely benign (1). Last evaluated 2024-09-18.

Conditions:
Hereditary diffuse gastric adenocarcinoma (HDGC). Also called: DIFFUSE GASTRIC AND LOBULAR BREAST CANCER SYNDROME. Identifiers: Orphanet 26106, MedGen C1708349, MONDO:0007648, OMIM 137215.
Hereditary cancer-predisposing syndrome. Also called: Tumor predisposition; Neoplastic Syndromes, Hereditary; Hereditary Cancer Syndrome; Hereditary neoplastic syndrome. Identifiers: Orphanet 140162, MedGen C0027672, MeSH D009386, MONDO:0015356.

Submissions (2):

Myriad Genetics, Inc.
Classification: Benign for Hereditary diffuse gastric adenocarcinoma. Last evaluated: 2024-09-18. Review status: criteria provided, single submitter. Criteria: Myriad Autosomal Dominant, Autosomal Recessive and X-Linked Classification Criteria (2023). Collection method: clinical testing. Allele origin: unknown.
Comment: This variant is considered benign. This variant is a silent/synonymous amino acid change and it is not expected to impact splicing.

Ambry Genetics
Classification: Likely benign for Hereditary cancer-predisposing syndrome. Last evaluated: 2020-10-28. Review status: criteria provided, single submitter. Criteria: Ambry Variant Classification Scheme 2023. Collection method: clinical testing. Allele origin: germline.

NM_004360.5(CDH1):c.1395T>C (p.Ser465=)

Gene: CDH1 (cadherin 1; plus strand). Cytogenetic location: 16q22.1.
Variant type: single nucleotide variant.
Coding change: c.1395T>C on transcript NM_004360.5 (MANE Select); coding-DNA position 1395, T replaced by C.
Protein change: p.Ser465=; no amino-acid change (serine 465 retained).
Molecular consequence: synonymous variant. On other transcripts: 5 prime UTR variant (2).
Genome position (GRCh38, 1-based): chr16:68,815,589, T>C. VCF-style: chr16-68815589-T-C. GRCh37 (hg19) VCF-style: chr16-68849492-T-C.
Other names: c.1212T>C, p.Ser404= (NM_001317184.2); c.-154T>C (NM_001317185.2); c.-425T>C (NM_001317186.2).
Identifiers: ClinVar variation 1771636 (VCV001771636.3), dbSNP rs2152134820, ClinGen allele CA496153957.